The following is an entry in ClinVar:

NM_000275.3(OCA2):c.168del (p.Gln58fs)

Gene: OCA2 (OCA2 melanosomal transmembrane protein; minus strand). Cytogenetic location: 15q13.1.
Variant type: Deletion.
Coding change: c.168del on transcript NM_000275.3 (MANE Select); coding-DNA position 168, one base deleted (C; older notation c.168delC).
Protein change: p.Gln58fs; shifts the reading frame from glutamine 58.
Molecular consequence: frameshift variant.
Genome position (GRCh38, 1-based): chr15:28,081,707, G deleted on the plus strand (C on the coding strand, the reverse complement: OCA2 is on the minus strand); the first of 2 consecutive G bases (chr15:28,081,707-28,081,708); deleting either gives the same sequence. VCF-style (leftmost placement, unchanged base first): chr15-28081706-CG-C. GRCh37 (hg19) VCF-style: chr15-28326852-CG-C.
Other names: c.168del, p.Gln58fs (NM_001300984.2); short protein forms Q58fs.
Identifiers: ClinVar variation 2677402 (VCV002677402.3), dbSNP rs2548671431, ClinGen allele CA2695197236.

ClinVar aggregate classification (germline): Pathogenic/Likely pathogenic. Review status: criteria provided, multiple submitters, no conflicts (2 of 4 stars). 2 submissions from 2 submitters: Pathogenic (1); Likely pathogenic (1). Last evaluated 2023-09-09.

Conditions:
SKIN/HAIR/EYE PIGMENTATION 1, BLUE/NONBLUE EYES (SHEP1). Also called: BROWN EYE COLOR 2; EYE COLOR 3; EYE COLOR, BLUE/NONBLUE; EYE COLOR, BROWN/BLUE; HAIR COLOR 3; SKIN/HAIR/EYE PIGMENTATION 1, BLOND/BROWN HAIR. Identifiers: MedGen C1856895, OMIM 227220.
Tyrosinase-positive oculocutaneous albinism (OCA2). Also called: Albinism, oculocutaneous, type II; ALBINISM II; Oculocutaneous albinism type 2. Identifiers: Orphanet 79432, MedGen C0268495, MONDO:0008746, OMIM 203200.

Submissions (2):

Baylor Genetics
Classification: Pathogenic for SKIN/HAIR/EYE PIGMENTATION 1, BLUE/NONBLUE EYES. Last evaluated: 2023-09-09. Review status: criteria provided, single submitter. Criteria: ACMG Guidelines, 2015. Collection method: clinical testing. Allele origin: unknown.

Juno Genomics, Hangzhou Juno Genomics, Inc
Classification: Likely pathogenic for SKIN/HAIR/EYE PIGMENTATION 1, BLUE/NONBLUE EYES; Tyrosinase-positive oculocutaneous albinism. Review status: criteria provided, single submitter. Criteria: ACMG Guidelines, 2015. Collection method: clinical testing. Allele origin: germline.
Comment: Null variant in a gene where loss of function (LOF) is a known mechanism of disease.;Absent from controls (or at extremely low frequency if recessive) in Genome Aggregation Database.